The following is an entry in ClinVar:

ClinVar aggregate classification (germline): Uncertain significance (1 of 4 stars; one submission).

Conditions:
Cardiovascular phenotype. Identifiers: MedGen CN230736.
Hereditary cancer-predisposing syndrome. Also called: Neoplastic Syndromes, Hereditary; Tumor predisposition; Hereditary Cancer Syndrome; Hereditary neoplastic syndrome. Identifiers: Orphanet 140162, MedGen C0027672, MeSH D009386, MONDO:0015356.

gnomAD v4.1: 2 of 1,613,402 alleles (0.00012%); highest among the groups gnomAD compares: Non-Finnish European, 0.00017%; no homozygotes.

Submission:

Ambry Genetics
Classification: Uncertain significance for Cardiovascular phenotype; Hereditary cancer-predisposing syndrome. Last evaluated: 2026-03-28. Review status: criteria provided, single submitter. Criteria: Ambry Variant Classification Scheme 2023. Collection method: clinical testing. Allele origin: germline.
Comment: The p.M614L variant (also known as c.1840A>T), located in coding exon 16 of the LZTR1 gene, results from an A to T substitution at nucleotide position 1840. The methionine at codon 614 is replaced by leucine, an amino acid with highly similar properties. This amino acid position is conserved. In addition, this alteration is predicted to be tolerated by in silico analysis. Based on the available evidence, the clinical significance of this variant remains unclear.

NM_006767.4(LZTR1):c.1840A>T (p.Met614Leu)

Gene: LZTR1 (leucine zipper like post translational regulator 1; plus strand). Cytogenetic location: 22q11.21.
Variant type: single nucleotide variant.
Coding change: c.1840A>T on transcript NM_006767.4 (MANE Select); coding-DNA position 1840, A replaced by T.
Protein change: p.Met614Leu; replaces methionine 614 with leucine.
Molecular consequence: missense variant.
Genome position (GRCh38, 1-based): chr22:20,994,924, A>T. VCF-style: chr22-20994924-A-T. GRCh37 (hg19) VCF-style: chr22-21349213-A-T.
Other names: short protein forms M614L.
Identifiers: ClinVar variation 4859367 (VCV004859367.1).
Genomic context (GRCh38, chr22:20,994,924, plus strand): 5'-CCCCAGGAGCACTGCCTGAACTTCGTGGTAAAGGAGTCCCACTTCAACCAGGTGATCATG[A>T]TGAAGGAGTTCGAGCGCCTCTCCTCTCCACTGATAGTGGAGATTGTGCGGCGGAAGCAGC-3'
Protein context (NP_006758.2, residues 604-624): KESHFNQVIM[Met614Leu]KEFERLSSPL